The following is an entry in ClinVar:

ClinVar aggregate classification (germline): Uncertain significance (1 of 4 stars; one submission).

Allele frequency attached by ClinVar (database versions not stated): gnomAD exomes below 0.00001; gnomAD 0.00001; TOPMed 0.00001.
gnomAD v4.1: 5 of 1,614,086 alleles (0.00031%); highest among the groups gnomAD compares: Non-Finnish European, 0.00042%; no homozygotes.

Submission:

Labcorp Genetics (formerly Invitae), Labcorp
Classification: Uncertain significance. Last evaluated: 2022-03-09. Review status: criteria provided, single submitter. Criteria: Invitae Variant Classification Sherloc (09022015). Collection method: clinical testing. Allele origin: germline.
Comment: Advanced modeling of protein sequence and biophysical properties (such as structural, functional, and spatial information, amino acid conservation, physicochemical variation, residue mobility, and thermodynamic stability) performed at Invitae indicates that this missense variant is not expected to disrupt CYP4V2 protein function. This sequence change replaces glycine, which is neutral and non-polar, with aspartic acid, which is acidic and polar, at codon 284 of the CYP4V2 protein (p.Gly284Asp). This variant is not present in population databases (gnomAD no frequency). This variant has not been reported in the literature in individuals affected with CYP4V2-related conditions. In summary, the available evidence is currently insufficient to determine the role of this variant in disease. Therefore, it has been classified as a Variant of Uncertain Significance.

NM_207352.4(CYP4V2):c.851G>A (p.Gly284Asp)

Gene: CYP4V2 (cytochrome P450 family 4 subfamily V member 2; plus strand). Cytogenetic location: 4q35.2.
Variant type: single nucleotide variant.
Coding change: c.851G>A on transcript NM_207352.4 (MANE Select); coding-DNA position 851, G replaced by A.
Protein change: p.Gly284Asp; replaces glycine 284 with aspartic acid.
Molecular consequence: missense variant.
Genome position (GRCh38, 1-based): chr4:186,201,206, G>A. VCF-style: chr4-186201206-G-A. GRCh37 (hg19) VCF-style: chr4-187122360-G-A.
Other names: short protein forms G284D.
Identifiers: ClinVar variation 1406559 (VCV001406559.6), dbSNP rs1345068520, ClinGen allele CA358948278.